The following is an entry in ClinVar:

NM_024422.6(DSC2):c.2254T>C (p.Ser752Pro)

Gene: DSC2 (desmocollin 2; minus strand). Cytogenetic location: 18q12.1.
Variant type: single nucleotide variant.
Coding change: c.2254T>C on transcript NM_024422.6 (MANE Select); coding-DNA position 2254, T replaced by C.
Protein change: p.Ser752Pro; replaces serine 752 with proline.
Molecular consequence: missense variant.
Genome position (GRCh38, 1-based): chr18:31,069,148, A>G on the plus strand (T>C on the coding strand, the complement: DSC2 is on the minus strand). VCF-style: chr18-31069148-A-G. GRCh37 (hg19) VCF-style: chr18-28649114-A-G.
Other names: c.2254T>C, p.Ser752Pro (NM_004949.5); short protein forms S752P.
Identifiers: ClinVar variation 926003 (VCV000926003.4), dbSNP rs1986742221, ClinGen allele CA402112159.

ClinVar aggregate classification (germline): Uncertain significance (1 of 4 stars; one submission).

Conditions:
Cardiomyopathy (CMYO). Also called: Cardiomyopathies. Identifiers: Orphanet 167848, MedGen C0878544, MONDO:0004994, HP:0001638. Inheritance: Various modes of inheritance.

Submission:

Color Diagnostics, LLC DBA Color Health
Classification: Uncertain significance for Cardiomyopathy. Last evaluated: 2024-03-07. Review status: criteria provided, single submitter. Criteria: ACMG Guidelines, 2015. Collection method: clinical testing. Allele origin: germline.
Comment: This missense variant replaces serine with proline at codon 752 of the DSC2 protein. Computational prediction suggests that this variant may not impact protein structure and function (internally defined REVEL score threshold <= 0.5, PMID: 27666373). Splice site prediction tools suggest that this variant may not impact RNA splicing. To our knowledge, functional studies have not been performed for this variant. This variant has not been reported in individuals affected with cardiovascular disorders in the literature. This variant has not been identified in the general population by the Genome Aggregation Database (gnomAD). The available evidence is insufficient to determine the role of this variant in disease conclusively. Therefore, this variant is classified as a Variant of Uncertain Significance.